The following is an entry in ClinVar:

ClinVar aggregate classification (germline): Likely benign. Review status: criteria provided, multiple submitters, no conflicts (2 of 4 stars). 2 submissions from 2 submitters: Likely benign (2). Last evaluated 2023-07-19.

Submissions (2):

Labcorp Genetics (formerly Invitae), Labcorp
Classification: Likely benign. Last evaluated: 2023-07-19. Review status: criteria provided, single submitter. Criteria: Invitae Variant Classification Sherloc (09022015). Collection method: clinical testing. Allele origin: germline.

GeneDx
Classification: Likely benign. Last evaluated: 2016-07-27. Review status: criteria provided, single submitter. Criteria: GeneDx Variant Classification (06012015). Collection method: clinical testing. Allele origin: germline. Affected: yes.
Comment: This variant is considered likely benign or benign based on one or more of the following criteria: it is a conservative change, it occurs at a poorly conserved position in the protein, it is predicted to be benign by multiple in silico algorithms, and/or has population frequency not consistent with disease.

NM_024120.5(NDUFAF5):c.882T>C (p.Asp294=)

Gene: NDUFAF5 (NADH:ubiquinone oxidoreductase complex assembly factor 5; plus strand). Cytogenetic location: 20p12.1.
Variant type: single nucleotide variant.
Coding change: c.882T>C on transcript NM_024120.5 (MANE Select); coding-DNA position 882, T replaced by C.
Protein change: p.Asp294=; no amino-acid change (aspartic acid 294 retained).
Molecular consequence: synonymous variant. On other transcripts: non-coding transcript variant (7).
Genome position (GRCh38, 1-based): chr20:13,816,894, T>C. VCF-style: chr20-13816894-T-C. GRCh37 (hg19) VCF-style: chr20-13797540-T-C.
Other names: c.798T>C, p.Asp266= (NM_001039375.3); c.411T>C, p.Asp137= (NM_001352403.2); c.321T>C, p.Asp107= (NM_001352406.2, NM_001352407.2).
Identifiers: ClinVar variation 387965 (VCV000387965.4), dbSNP rs1057522966, ClinGen allele CA16607956.